The following is an entry in ClinVar:

NM_012213.3(MLYCD):c.253G>A (p.Ala85Thr)

Gene: MLYCD (malonyl-CoA decarboxylase; plus strand). Cytogenetic location: 16q23.3.
Variant type: single nucleotide variant.
Coding change: c.253G>A on transcript NM_012213.3 (MANE Select); coding-DNA position 253, G replaced by A.
Protein change: p.Ala85Thr; replaces alanine 85 with threonine.
Molecular consequence: missense variant.
Genome position (GRCh38, 1-based): chr16:83,899,397, G>A. VCF-style: chr16-83899397-G-A. GRCh37 (hg19) VCF-style: chr16-83933002-G-A.
Other names: short protein forms A85T.
Identifiers: ClinVar variation 2118776 (VCV002118776.4), dbSNP rs1906693886, ClinGen allele CA396917955.
Genomic context (GRCh38, chr16:83,899,397, plus strand): 5'-GAGGGTCAGTGCGCGGACTTCGTGAGCTTCTACGGTGGGCTGGCCGAGACGGCCCAGCGG[G>A]CCGAACTGCTGGGCCGCCTGGCGCGGGGCTTCGGCGTGGACCACGGCCAGGTGGCGGAGC-3'
Protein context (NP_036345.2, residues 75-95): YGGLAETAQR[Ala85Thr]ELLGRLARGF

ClinVar aggregate classification (germline): Uncertain significance (1 of 4 stars; one submission).

Conditions:
Deficiency of malonyl-CoA decarboxylase. Also called: Malonic aciduria; MCD deficiency. Identifiers: Orphanet 943, MedGen C0342793, MONDO:0009556, OMIM 248360.

Allele frequency attached by ClinVar (database versions not stated): gnomAD exomes 0.00001.
gnomAD v4.1: 3 of 1,528,456 alleles (0.0002%); highest among the groups gnomAD compares: Admixed American, 0.002%; no homozygotes.

Submission:

Labcorp Genetics (formerly Invitae), Labcorp
Classification: Uncertain significance for Deficiency of malonyl-CoA decarboxylase. Last evaluated: 2022-04-12. Review status: criteria provided, single submitter. Criteria: Invitae Variant Classification Sherloc (09022015). Collection method: clinical testing. Allele origin: germline.
Comment: This sequence change replaces alanine, which is neutral and non-polar, with threonine, which is neutral and polar, at codon 85 of the MLYCD protein (p.Ala85Thr). This variant is not present in population databases (gnomAD no frequency). This variant has not been reported in the literature in individuals affected with MLYCD-related conditions. Algorithms developed to predict the effect of missense changes on protein structure and function (SIFT, PolyPhen-2, Align-GVGD) all suggest that this variant is likely to be tolerated. In summary, the available evidence is currently insufficient to determine the role of this variant in disease. Therefore, it has been classified as a Variant of Uncertain Significance.